The following is an entry in ClinVar:

NC_012920.1(MT-ATP6):m.8632T>C

Gene: MT-ATP6 (mitochondrially encoded ATP synthase 6; plus strand).
Variant type: single nucleotide variant.
Genome position: chrM-8632-T-C.
Identifiers: ClinVar variation 692933 (VCV000692933.1), dbSNP rs1603221654, ClinGen allele CA414797060.

ClinVar aggregate classification (germline): Benign (1 of 4 stars; one submission).

Conditions:
Leigh syndrome (NULS). Also called: Leigh's necrotizing encephalopathy; Leigh's disease; Leigh Syndrome (mtDNA deletion); Leigh Disease; Subacute necrotizing encephalopathy; Necrotizing encephalopathy infantile subacute of Leigh. Identifiers: Orphanet 506, MedGen C2931891, MONDO:0009723, OMIM 256000.

Submission:

Wong Mito Lab, Molecular and Human Genetics, Baylor College of Medicine
Classification: Benign for Leigh syndrome. Last evaluated: 2019-10-17. Review status: criteria provided, single submitter. Criteria: Modified ACMG Guidelines (Unpublished). Collection method: clinical testing. Allele origin: germline.
Comment: The NC_012920.1:m.8632T>C (YP_003024031.1:p.Tyr36His) variant in MTATP6 gene is interpretated to be a Benign variant based on the modified ACMG guidelines (unpublished). This variant meets the following evidence codes: BS1, BS4, BP4